The following is an entry in ClinVar:

ClinVar aggregate classification (germline): Uncertain significance (1 of 4 stars; one submission).

Conditions:
Parathyroid carcinoma (PRTC). Also called: CDC73-Related Parathyroid Carcinoma; Parathyroid gland carcinoma. Identifiers: Orphanet 143, MedGen C0687150, MONDO:0012004, OMIM 608266, HP:0006780.

Submission:

Labcorp Genetics (formerly Invitae), Labcorp
Classification: Uncertain significance for Parathyroid carcinoma. Last evaluated: 2025-06-05. Review status: criteria provided, single submitter. Criteria: Invitae Variant Classification Sherloc (09022015). Collection method: clinical testing. Allele origin: germline.
Comment: This sequence change falls in intron 2 of the CDC73 gene. It does not directly change the encoded amino acid sequence of the CDC73 protein. RNA analysis indicates that this variant induces altered splicing and may result in an absent or altered protein product. This variant is not present in population databases (gnomAD no frequency). This variant has not been reported in the literature in individuals affected with CDC73-related conditions. Studies have shown that this variant results in activation of a cryptic splice site, and produces a non-functional protein and/or introduces a premature termination codon (internal data). In summary, the available evidence is currently insufficient to determine the role of this variant in disease. Therefore, it has been classified as a Variant of Uncertain Significance.

NM_024529.5(CDC73):c.238-13A>G

Gene: CDC73 (cell division cycle 73; plus strand). Cytogenetic location: 1q31.2.
Variant type: single nucleotide variant.
Coding change: c.238-13A>G on transcript NM_024529.5 (MANE Select); 13 bases into the intron before coding-DNA position 238, A replaced by G.
Molecular consequence: intron variant.
Genome position (GRCh38, 1-based): chr1:193,130,161, A>G. VCF-style: chr1-193130161-A-G. GRCh37 (hg19) VCF-style: chr1-193099291-A-G.
Identifiers: ClinVar variation 4720827 (VCV004720827.1).
Genomic context (GRCh38, chr1:193,130,161, plus strand): 5'-TTACATGTTAATATTTATTAAGTTGTGTATCATTGTTATTCATTTCATATCTCATTTAAA[A>G]TTTTGGTTTTAGACTGAAAATATTCCTGTGGTTAGAAGACCTGATCGAAAAGATCTACTT-3'